The following is an entry in ClinVar:

NC_000002.11:g.(?_44115739)_(44223086_?)del

Gene: LRPPRC (leucine rich pentatricopeptide repeat containing; minus strand). Cytogenetic location: 2p21.
Variant type: Deletion.
Identifiers: ClinVar variation 3247584 (VCV003247584.1).

ClinVar aggregate classification (germline): Pathogenic (1 of 4 stars; one submission).

Submission:

Labcorp Genetics (formerly Invitae), Labcorp
Classification: Pathogenic. Last evaluated: 2023-05-05. Review status: criteria provided, single submitter. Criteria: Invitae Variant Classification Sherloc (09022015). Collection method: clinical testing. Allele origin: unknown.
Comment: For these reasons, this variant has been classified as Pathogenic. This variant has not been reported in the literature in individuals affected with LRPPRC-related conditions. A gross deletion of the genomic region encompassing the full coding sequence of the LRPPRC gene has been identified. Loss-of-function variants in LRPPRC are known to be pathogenic (PMID: 26510951). The boundaries of this event are unknown as they extend beyond the assayed region for this gene and therefore may encompass additional genes.

Literature cited by the submitters: PubMed 26510951.